The following is an entry in ClinVar:

ClinVar aggregate classification (germline): Uncertain significance. Review status: criteria provided, multiple submitters, no conflicts (2 of 4 stars). 2 submissions from 2 submitters: Uncertain significance (2). Last evaluated 2025-09-30.

Conditions:
Cardiovascular phenotype. Identifiers: MedGen CN230736.

Allele frequency attached by ClinVar (database versions not stated): gnomAD 0.00001; TOPMed 0.00001; ExAC 0.00002; gnomAD exomes 0.00002 and 0.00003.
gnomAD v4.1: 45 of 1,606,062 alleles (0.0028%); highest among the groups gnomAD compares: Non-Finnish European, 0.0036%; no homozygotes.

Submissions (2):

Labcorp Genetics (formerly Invitae), Labcorp
Classification: Uncertain significance. Last evaluated: 2025-09-30. Review status: criteria provided, single submitter. Criteria: Invitae Variant Classification Sherloc (09022015). Collection method: clinical testing. Allele origin: germline.
Comment: This sequence change replaces glycine, which is neutral and non-polar, with arginine, which is basic and polar, at codon 435 of the TBX20 protein (p.Gly435Arg). This variant is present in population databases (rs777607652, gnomAD 0.005%). This variant has not been reported in the literature in individuals affected with TBX20-related conditions. ClinVar contains an entry for this variant (Variation ID: 1446987). An algorithm developed to predict the effect of missense changes on protein structure and function (PolyPhen-2) suggests that this variant is likely to be disruptive. In summary, the available evidence is currently insufficient to determine the role of this variant in disease. Therefore, it has been classified as a Variant of Uncertain Significance.

Ambry Genetics
Classification: Uncertain significance for Cardiovascular phenotype. Last evaluated: 2023-05-21. Review status: criteria provided, single submitter. Criteria: Ambry Variant Classification Scheme 2023. Collection method: clinical testing. Allele origin: germline.
Comment: The p.G435R variant (also known as c.1303G>A), located in coding exon 8 of the TBX20 gene, results from a G to A substitution at nucleotide position 1303. The glycine at codon 435 is replaced by arginine, an amino acid with dissimilar properties. This amino acid position is highly conserved in available vertebrate species. In addition, this alteration is predicted to be deleterious by in silico analysis. Since supporting evidence is limited at this time, the clinical significance of this alteration remains unclear.

NM_001077653.2(TBX20):c.1303G>A (p.Gly435Arg)

Gene: TBX20 (T-box transcription factor 20; minus strand). Cytogenetic location: 7p14.2.
Variant type: single nucleotide variant.
Coding change: c.1303G>A on transcript NM_001077653.2 (MANE Select); coding-DNA position 1303, G replaced by A.
Protein change: p.Gly435Arg; replaces glycine 435 with arginine.
Molecular consequence: missense variant.
Genome position (GRCh38, 1-based): chr7:35,202,471, C>T on the plus strand (G>A on the coding strand, the complement: TBX20 is on the minus strand). VCF-style: chr7-35202471-C-T. GRCh37 (hg19) VCF-style: chr7-35242083-C-T.
Other names: short protein forms G435R.
Identifiers: ClinVar variation 1446987 (VCV001446987.10), dbSNP rs777607652, ClinGen allele CA4217321.